The following is an entry in ClinVar:

NM_005188.4(CBL):c.2284A>G (p.Thr762Ala)

Gene: CBL (Cbl proto-oncogene; plus strand). Cytogenetic location: 11q23.3.
Variant type: single nucleotide variant.
Coding change: c.2284A>G on transcript NM_005188.4 (MANE Select); coding-DNA position 2284, A replaced by G.
Protein change: p.Thr762Ala; replaces threonine 762 with alanine.
Molecular consequence: missense variant.
Genome position (GRCh38, 1-based): chr11:119,298,390, A>G. VCF-style: chr11-119298390-A-G. GRCh37 (hg19) VCF-style: chr11-119169100-A-G.
Other names: short protein forms T762A.
Identifiers: ClinVar variation 2852951 (VCV002852951.3), dbSNP rs779563820, ClinGen allele CA382929119.

ClinVar aggregate classification (germline): Uncertain significance (1 of 4 stars; one submission).

Conditions:
RASopathy. Also called: rasopathies; Noonan spectrum disorder. Identifiers: Orphanet 536391, MedGen C5555857, MONDO:0021060.

gnomAD v4.1: 2 of 1,614,206 alleles (0.00012%); highest among the groups gnomAD compares: Non-Finnish European, 0.000085%; no homozygotes.

Submission:

Labcorp Genetics (formerly Invitae), Labcorp
Classification: Uncertain significance for RASopathy. Last evaluated: 2024-04-13. Review status: criteria provided, single submitter. Criteria: Invitae Variant Classification Sherloc (09022015). Collection method: clinical testing. Allele origin: germline.
Comment: This sequence change replaces threonine, which is neutral and polar, with alanine, which is neutral and non-polar, at codon 762 of the CBL protein (p.Thr762Ala). This variant is not present in population databases (gnomAD no frequency). This variant has not been reported in the literature in individuals affected with CBL-related conditions. Advanced modeling of protein sequence and biophysical properties (such as structural, functional, and spatial information, amino acid conservation, physicochemical variation, residue mobility, and thermodynamic stability) performed at Invitae indicates that this missense variant is not expected to disrupt CBL protein function with a negative predictive value of 95%. In summary, the available evidence is currently insufficient to determine the role of this variant in disease. Therefore, it has been classified as a Variant of Uncertain Significance.